The following is an entry in ClinVar:

NM_021008.4(DEAF1):c.226A>G (p.Met76Val)

Gene: DEAF1 (DEAF1 transcription factor; minus strand). Cytogenetic location: 11p15.5.
Variant type: single nucleotide variant.
Coding change: c.226A>G on transcript NM_021008.4 (MANE Select); coding-DNA position 226, A replaced by G.
Protein change: p.Met76Val; replaces methionine 76 with valine.
Molecular consequence: missense variant. On other transcripts: intron variant (1).
Genome position (GRCh38, 1-based): chr11:694,822, T>C on the plus strand (A>G on the coding strand, the complement: DEAF1 is on the minus strand). VCF-style: chr11-694822-T-C. GRCh37 (hg19) VCF-style: chr11-694822-T-C.
Other names: c.226A>G, p.Met76Val (NM_001293634.2); c.-437-3224A>G (NM_001367390.1); short protein forms M76V.
Identifiers: ClinVar variation 2181469 (VCV002181469.4), dbSNP rs1312212385, ClinGen allele CA378939186.

ClinVar aggregate classification (germline): Uncertain significance (1 of 4 stars; one submission).

gnomAD v4.1: 4 of 1,447,142 alleles (0.00028%); highest among the groups gnomAD compares: South Asian, 0.0014%; no homozygotes.

Submission:

Labcorp Genetics (formerly Invitae), Labcorp
Classification: Uncertain significance. Last evaluated: 2025-08-10. Review status: criteria provided, single submitter. Criteria: Invitae Variant Classification Sherloc (09022015). Collection method: clinical testing. Allele origin: germline.
Comment: This sequence change replaces methionine, which is neutral and non-polar, with valine, which is neutral and non-polar, at codon 76 of the DEAF1 protein (p.Met76Val). The frequency data for this variant in the population databases is considered unreliable, as metrics indicate poor data quality at this position in the gnomAD database. This variant has not been reported in the literature in individuals affected with DEAF1-related conditions. ClinVar contains an entry for this variant (Variation ID: 2181469). Invitae Evidence Modeling of protein sequence and biophysical properties (such as structural, functional, and spatial information, amino acid conservation, physicochemical variation, residue mobility, and thermodynamic stability) indicates that this missense variant is not expected to disrupt DEAF1 protein function with a negative predictive value of 95%. In summary, the available evidence is currently insufficient to determine the role of this variant in disease. Therefore, it has been classified as a Variant of Uncertain Significance.